The following is an entry in ClinVar:

NM_001966.4(EHHADH):c.1239G>A (p.Leu413=)

Gene: EHHADH (enoyl-CoA hydratase and 3-hydroxyacyl CoA dehydrogenase; minus strand). Cytogenetic location: 3q27.2.
Variant type: single nucleotide variant.
Coding change: c.1239G>A on transcript NM_001966.4 (MANE Select); coding-DNA position 1239, G replaced by A.
Protein change: p.Leu413=; no amino-acid change (leucine 413 retained).
Molecular consequence: synonymous variant.
Genome position (GRCh38, 1-based): chr3:185,193,159, C>T on the plus strand (G>A on the coding strand, the complement: EHHADH is on the minus strand). VCF-style: chr3-185193159-C-T. GRCh37 (hg19) VCF-style: chr3-184910947-C-T.
Other names: c.951G>A, p.Leu317= (NM_001166415.2).
Identifiers: ClinVar variation 4977474 (VCV004977474.1).
Genomic context (GRCh38, chr3:185,193,159, plus strand): 5'-GAAGTGGGTGCCAATGACCAAGTGAGGACGATCAGTGGAAGAAGCAATCTCATCAACATC[C>T]AGGGCTGAAGTATTAGTGCACAAAAATGCTTCTGGTTTGCACACAGCTGAGAGTTCAGCA-3'
Protein context (NP_001957.2, residues 403-423): EAFLCTNTSA[Leu413=]DVDEIASSTD

ClinVar aggregate classification (germline): Likely benign (1 of 4 stars; one submission).

Conditions:
EHHADH-related disorder. Also called: EHHADH-related condition.

gnomAD v4.1: 7 of 1,613,138 alleles (0.00043%); highest among the groups gnomAD compares: African/African-American, 0.0053%; no homozygotes.

Submission:

PreventionGenetics, part of Exact Sciences
Classification: Likely benign for EHHADH-related condition. Last evaluated: 2025-09-27. Review status: criteria provided, single submitter. Criteria: ACMG Guidelines, 2015. Collection method: clinical testing. Allele origin: germline.
Comment: This variant is classified as likely benign based on ACMG/AMP sequence variant interpretation guidelines (Richards et al. 2015 PMID: 25741868, with internal and published modifications).